The following is an entry in ClinVar:

NM_001005242.3(PKP2):c.2008G>A (p.Gly670Arg)

Gene: PKP2 (plakophilin 2; minus strand). Cytogenetic location: 12p11.21.
Variant type: single nucleotide variant.
Coding change: c.2008G>A on transcript NM_001005242.3 (MANE Select); coding-DNA position 2008, G replaced by A.
Protein change: p.Gly670Arg; replaces glycine 670 with arginine.
Molecular consequence: missense variant.
Genome position (GRCh38, 1-based): chr12:32,821,361, C>T on the plus strand (G>A on the coding strand, the complement: PKP2 is on the minus strand). VCF-style: chr12-32821361-C-T. GRCh37 (hg19) VCF-style: chr12-32974295-C-T.
Other names: c.2008G>A, p.Gly670Arg (NM_001407155.1, NM_001407161.1); c.1843G>A, p.Gly615Arg (NM_001407156.1); c.2140G>A, p.Gly714Arg (NM_001407157.1, NM_004572.4); c.1681G>A, p.Gly561Arg (NM_001407158.1, NM_001407159.1, NM_001407160.1 and 1 more transcripts); short protein forms G615R, G714R, G670R, G561R.
Identifiers: ClinVar variation 1904808 (VCV001904808.7), dbSNP rs1956374016, ClinGen allele CA384361540.
Genomic context (GRCh38, chr12:32,821,361, plus strand): 5'-GGTATGTCTACAATATCATTATTTTAAAAAGTAGGAAATCAGGCCCAATACTCACTGGTC[C>T]ACTTCCGGCCGTGAGGTTCTGCAGAGCTCCTAAGGATGCTTCTTGTGTGTAGTTGCGGAC-3'
Protein context (NP_001005242.2, residues 660-680): GALQNLTAGS[Gly670Arg]PMPTSVAQTV

ClinVar aggregate classification (germline): Uncertain significance. Review status: criteria provided, multiple submitters, no conflicts (2 of 4 stars). 2 submissions from 2 submitters: Uncertain significance (2). Last evaluated 2023-11-20.

Conditions:
Cardiomyopathy (CMYO). Also called: Cardiomyopathies. Identifiers: Orphanet 167848, MedGen C0878544, MONDO:0004994, HP:0001638. Inheritance: Various modes of inheritance.
Arrhythmogenic right ventricular dysplasia 9 (ARVD9). Also called: Arrhythmogenic Right Ventricular Dysplasia/Cardiomyopathy 9; ARRHYTHMOGENIC RIGHT VENTRICULAR DYSPLASIA, FAMILIAL, 9. Identifiers: MedGen C1836906, MONDO:0012180, OMIM 609040.

Allele frequency attached by ClinVar (database versions not stated): gnomAD exomes below 0.00001.
gnomAD v4.1: 2 of 1,613,914 alleles (0.00012%); highest among the groups gnomAD compares: South Asian, 0.0011%; no homozygotes.

Submissions (2):

Color Diagnostics, LLC DBA Color Health
Classification: Uncertain significance for Cardiomyopathy. Last evaluated: 2023-11-20. Review status: criteria provided, single submitter. Criteria: ACMG Guidelines, 2015. Collection method: clinical testing. Allele origin: germline.
Comment: This missense variant replaces glycine with arginine at codon 714 of the PKP2 protein. Computational prediction suggests that this variant may not impact protein structure and function (internally defined REVEL score threshold <= 0.5, PMID: 27666373). To our knowledge, functional studies have not been reported for this variant. This variant has been reported in an individual from a self-declared healthy cohort (PMID: 35932045). This variant has not been identified in the general population by the Genome Aggregation Database (gnomAD). The available evidence is insufficient to determine the role of this variant in disease conclusively. Therefore, this variant is classified as a Variant of Uncertain Significance.

Labcorp Genetics (formerly Invitae), Labcorp
Classification: Uncertain significance for Arrhythmogenic right ventricular dysplasia 9. Last evaluated: 2023-05-10. Review status: criteria provided, single submitter. Criteria: Invitae Variant Classification Sherloc (09022015). Collection method: clinical testing. Allele origin: germline.
Comment: In summary, the available evidence is currently insufficient to determine the role of this variant in disease. Therefore, it has been classified as a Variant of Uncertain Significance. An algorithm developed to predict the effect of missense changes on protein structure and function (PolyPhen-2) suggests that this variant is likely to be disruptive. ClinVar contains an entry for this variant (Variation ID: 1904808). This variant has not been reported in the literature in individuals affected with PKP2-related conditions. This variant is not present in population databases (gnomAD no frequency). This sequence change replaces glycine, which is neutral and non-polar, with arginine, which is basic and polar, at codon 714 of the PKP2 protein (p.Gly714Arg).

Literature cited by the submitters: PubMed 35932045 (cited by Color Diagnostics, LLC DBA Color Health).